The following is an entry in ClinVar:

NM_006005.3(WFS1):c.130C>T (p.Pro44Ser)

Gene: WFS1 (wolframin ER transmembrane glycoprotein; plus strand). Cytogenetic location: 4p16.1.
Variant type: single nucleotide variant.
Coding change: c.130C>T on transcript NM_006005.3 (MANE Select); coding-DNA position 130, C replaced by T.
Protein change: p.Pro44Ser; replaces proline 44 with serine.
Molecular consequence: missense variant.
Genome position (GRCh38, 1-based): chr4:6,277,585, C>T. VCF-style: chr4-6277585-C-T. GRCh37 (hg19) VCF-style: chr4-6279312-C-T.
Other names: c.130C>T, p.Pro44Ser (NM_001145853.1); short protein forms P44S.
Identifiers: ClinVar variation 2831051 (VCV002831051.3), dbSNP rs766861457, ClinGen allele CA2838803.
Genomic context (GRCh38, chr4:6,277,585, plus strand): 5'-CGTTCCCGACTCAATGCCACAGCCTCGTTGGAGCAGGAGAGGAGCGAAAGGCCCCGAGCA[C>T]CCGGACCCCAGGCTGGCCCTGGCCCTGGTGTTAGAGACGCAGCGGCCCCCGCTGAACCCC-3'
Protein context (NP_005996.2, residues 34-54): EQERSERPRA[Pro44Ser]GPQAGPGPGV

ClinVar aggregate classification (germline): Uncertain significance (1 of 4 stars; one submission).

gnomAD v4.1: 1 of 1,582,304 alleles (0.000063%); highest among the groups gnomAD compares: Non-Finnish European, 0.000086%; no homozygotes.

Submission:

Labcorp Genetics (formerly Invitae), Labcorp
Classification: Uncertain significance. Last evaluated: 2025-07-10. Review status: criteria provided, single submitter. Criteria: Invitae Variant Classification Sherloc (09022015). Collection method: clinical testing. Allele origin: germline.
Comment: This sequence change replaces proline, which is neutral and non-polar, with serine, which is neutral and polar, at codon 44 of the WFS1 protein (p.Pro44Ser). This variant is not present in population databases (gnomAD no frequency). This variant has not been reported in the literature in individuals affected with WFS1-related conditions. ClinVar contains an entry for this variant (Variation ID: 2831051). Invitae Evidence Modeling of protein sequence and biophysical properties (such as structural, functional, and spatial information, amino acid conservation, physicochemical variation, residue mobility, and thermodynamic stability) indicates that this missense variant is not expected to disrupt WFS1 protein function with a negative predictive value of 80%. In summary, the available evidence is currently insufficient to determine the role of this variant in disease. Therefore, it has been classified as a Variant of Uncertain Significance.